The following is an entry in ClinVar:

ClinVar aggregate classification (germline): Uncertain significance. Review status: criteria provided, multiple submitters, no conflicts (2 of 4 stars). 5 submissions from 5 submitters: Uncertain significance (5). Last evaluated 2024-10-22.

Conditions:
GM1 gangliosidosis. Identifiers: Orphanet 354, MedGen C0085131, MONDO:0018149.
Mucopolysaccharidosis, MPS-IV-B (MPS4B). Also called: Mucopolysaccharidosis type IVB (Morquio); MPS IVB; MORQUIO SYNDROME B; Mucopolysaccharidosis Type IVB; Mucopolysaccharidosis Type IVB (Morquio B Disease); Mucopolysaccharidosis type 4B. Identifiers: Orphanet 309310, Orphanet 582, MedGen C0086652, MONDO:0009660, OMIM 253010.

Allele frequency attached by ClinVar (database versions not stated): gnomAD 0.00001; TOPMed 0.00002; gnomAD exomes 0.00003 and 0.00004; ExAC 0.00004; ESP Exome Variant Server 0.00008; 1000 Genomes Project 0.00020.
gnomAD v4.1: 53 of 1,611,614 alleles (0.0033%); highest among the groups gnomAD compares: Middle Eastern, 0.017%; no homozygotes.

Submissions (5):

Blueprint Genetics
Classification: Uncertain significance. Last evaluated: 2024-10-22. Review status: criteria provided, single submitter. Criteria: ACMG Guidelines, 2015. Collection method: clinical testing. Allele origin: germline.

Labcorp Genetics (formerly Invitae), Labcorp
Classification: Uncertain significance for Mucopolysaccharidosis, MPS-IV-B; GM1 gangliosidosis. Last evaluated: 2024-04-26. Review status: criteria provided, single submitter. Criteria: Invitae Variant Classification Sherloc (09022015). Collection method: clinical testing. Allele origin: germline.
Comment: This sequence change falls in intron 1 of the GLB1 gene. It does not directly change the encoded amino acid sequence of the GLB1 protein. It affects a nucleotide within the consensus splice site. This variant is present in population databases (rs369627064, gnomAD 0.008%). This variant has not been reported in the literature in individuals affected with GLB1-related conditions. ClinVar contains an entry for this variant (Variation ID: 235596). Variants that disrupt the consensus splice site are a relatively common cause of aberrant splicing (PMID: 17576681, 9536098). Algorithms developed to predict the effect of sequence changes on RNA splicing suggest that this variant is not likely to affect RNA splicing. In summary, the available evidence is currently insufficient to determine the role of this variant in disease. Therefore, it has been classified as a Variant of Uncertain Significance.

Women's Health and Genetics/Laboratory Corporation of America, LabCorp
Classification: Uncertain significance. Last evaluated: 2023-02-11. Review status: criteria provided, single submitter. Criteria: LabCorp Variant Classification Summary - May 2015. Collection method: clinical testing. Allele origin: germline.

Center for Pediatric Genomic Medicine, Children's Mercy Hospital and Clinics
Classification: Uncertain significance. Last evaluated: 2016-05-11. Review status: criteria provided, single submitter. Criteria: ACMG Guidelines, 2015. Collection method: clinical testing. Allele origin: germline.
ClinVar note: Converted during submission from Uncertain Significance to Uncertain significance.

Breakthrough Genomics
Classification: Uncertain significance. Review status: criteria provided, single submitter. Criteria: ACMG Guidelines, 2015. Collection method: not provided. Allele origin: germline. Inheritance: Autosomal recessive inheritance. Affected: yes.

Literature cited by the submitters: PubMed 17576681 (cited by Labcorp Genetics (formerly Invitae), Labcorp); PubMed 9536098 (cited by Labcorp Genetics (formerly Invitae), Labcorp).

NM_000404.4(GLB1):c.75+3A>G

Genes: GLB1 (galactosidase beta 1; minus strand), TMPPE (transmembrane protein with metallophosphoesterase domain; minus strand), LOC129936434 (ATAC-STARR-seq lymphoblastoid silent region 14182; plus strand). Cytogenetic location: 3p22.3.
Variant type: single nucleotide variant.
Coding change: c.75+3A>G on transcript NM_000404.4 (MANE Select); 3 bases into the intron after coding-DNA position 75, A replaced by G.
Molecular consequence: intron variant. On other transcripts: 5 prime UTR variant (2).
Genome position (GRCh38, 1-based): chr3:33,097,008, T>C on the plus strand (A>G on the coding strand, the complement: GLB1 is on the minus strand). VCF-style: chr3-33097008-T-C. GRCh37 (hg19) VCF-style: chr3-33138500-T-C.
Other names: c.-398A>G (NM_001039770.3); c.-294A>G (NM_001136238.2); c.75+3A>G (NM_001393580.1, NM_001135602.3, NM_001317040.2).
Identifiers: ClinVar variation 235596 (VCV000235596.9), dbSNP rs369627064, ClinGen allele CA2300122.
Genomic context (GRCh38, chr3:33,097,008, plus strand): 5'-CCCGGTTCCCCGCCAGCCTGTCCCCTAGCAATGCCTCCCCGTACCCGGGTCCCGCAGACT[T>C]ACGCGCAAGCCGCGCGTAGGGCCCAGAAGCAGCAGAACCAGCAACAGAGGGAGGATGCGA-3'